The following is an entry in ClinVar:

NM_020964.3(EPG5):c.4400C>T (p.Thr1467Ile)

Gene: EPG5 (ectopic P-granules 5 autophagy tethering factor; minus strand). Cytogenetic location: 18q21.1.
Variant type: single nucleotide variant.
Coding change: c.4400C>T on transcript NM_020964.3 (MANE Select); coding-DNA position 4400, C replaced by T.
Protein change: p.Thr1467Ile; replaces threonine 1467 with isoleucine.
Molecular consequence: missense variant.
Genome position (GRCh38, 1-based): chr18:45,904,047, G>A on the plus strand (C>T on the coding strand, the complement: EPG5 is on the minus strand). VCF-style: chr18-45904047-G-A. GRCh37 (hg19) VCF-style: chr18-43484012-G-A.
Other names: c.4400C>T, p.Thr1467Ile (NM_001410858.1, NM_001410859.1); short protein forms T1467I.
Identifiers: ClinVar variation 2176760 (VCV002176760.3), dbSNP rs951246520, ClinGen allele CA299754920.
Genomic context (GRCh38, chr18:45,904,047, plus strand): 5'-GTGAAGTCCAGCTGCACGGACAAACTGCAGGGTGTGGAATGGGACTCAAGCTTGGCCTGT[G>A]TCCACAGACCAACAGTCTCCTGAAACTCATGATAGATGCGCTCCATGTTCAAATACTCCA-3'
Protein context (NP_066015.2, residues 1457-1477): HEFQETVGLW[Thr1467Ile]QAKLESHSTP

ClinVar aggregate classification (germline): Uncertain significance (1 of 4 stars; one submission).

Conditions:
Vici syndrome (VICIS). Identifiers: Orphanet 1493, MedGen C1855772, MONDO:0009452, OMIM 242840.

Allele frequency attached by ClinVar (database versions not stated): TOPMed 0.00001; gnomAD 0.00003; gnomAD exomes 0.00006.
gnomAD v4.1: 94 of 1,613,244 alleles (0.0058%); highest among the groups gnomAD compares: East Asian, 0.21%; no homozygotes.

Submission:

Labcorp Genetics (formerly Invitae), Labcorp
Classification: Uncertain significance for Vici syndrome. Last evaluated: 2024-05-09. Review status: criteria provided, single submitter. Criteria: Invitae Variant Classification Sherloc (09022015). Collection method: clinical testing. Allele origin: germline.
Comment: This sequence change replaces threonine, which is neutral and polar, with isoleucine, which is neutral and non-polar, at codon 1467 of the EPG5 protein (p.Thr1467Ile). This variant is present in population databases (no rsID available, gnomAD 0.006%). This variant has not been reported in the literature in individuals affected with EPG5-related conditions. ClinVar contains an entry for this variant (Variation ID: 2176760). Advanced modeling of protein sequence and biophysical properties (such as structural, functional, and spatial information, amino acid conservation, physicochemical variation, residue mobility, and thermodynamic stability) performed at Invitae indicates that this missense variant is not expected to disrupt EPG5 protein function with a negative predictive value of 80%. In summary, the available evidence is currently insufficient to determine the role of this variant in disease. Therefore, it has been classified as a Variant of Uncertain Significance.